The following is an entry in ClinVar:

NM_024675.4(PALB2):c.1390A>T (p.Arg464Trp)

Gene: PALB2 (partner and localizer of BRCA2; minus strand). Cytogenetic location: 16p12.2.
Variant type: single nucleotide variant.
Coding change: c.1390A>T on transcript NM_024675.4 (MANE Select); coding-DNA position 1390, A replaced by T.
Protein change: p.Arg464Trp; replaces arginine 464 with tryptophan.
Molecular consequence: missense variant.
Genome position (GRCh38, 1-based): chr16:23,635,156, T>A on the plus strand (A>T on the coding strand, the complement: PALB2 is on the minus strand). VCF-style: chr16-23635156-T-A. GRCh37 (hg19) VCF-style: chr16-23646477-T-A.
Other names: c.1390A>T (NM_024675.3); short protein forms R464W.
Identifiers: ClinVar variation 1051042 (VCV001051042.11), dbSNP rs1555461305, ClinGen allele CA395131368.

ClinVar aggregate classification (germline): Uncertain significance. Review status: criteria provided, multiple submitters, no conflicts (2 of 4 stars). 2 submissions from 2 submitters: Uncertain significance (2). Last evaluated 2025-11-05.

Conditions:
Hereditary cancer-predisposing syndrome. Also called: Tumor predisposition; Hereditary neoplastic syndrome; Hereditary Cancer Syndrome; Neoplastic Syndromes, Hereditary. Identifiers: Orphanet 140162, MedGen C0027672, MeSH D009386, MONDO:0015356.
Familial cancer of breast. Also called: BREAST CANCER, FAMILIAL; Hereditary breast cancer; hereditary breast carcinoma. Identifiers: Orphanet 227535, MedGen C0346153, MONDO:0016419, OMIM 114480. Disease mechanism: loss of function.

Submissions (2):

Ambry Genetics
Classification: Uncertain significance for Hereditary cancer-predisposing syndrome. Last evaluated: 2025-11-05. Review status: criteria provided, single submitter. Criteria: Ambry Variant Classification Scheme 2023. Collection method: clinical testing. Allele origin: germline.
Comment: The p.R464W variant (also known as c.1390A>T), located in coding exon 4 of the PALB2 gene, results from an A to T substitution at nucleotide position 1390. The arginine at codon 464 is replaced by tryptophan, an amino acid with dissimilar properties. This amino acid position is conserved. In addition, this alteration is predicted to be tolerated by in silico analysis. Based on the available evidence, the clinical significance of this variant remains unclear.

Labcorp Genetics (formerly Invitae), Labcorp
Classification: Uncertain significance for Familial cancer of breast. Last evaluated: 2022-04-18. Review status: criteria provided, single submitter. Criteria: Invitae Variant Classification Sherloc (09022015). Collection method: clinical testing. Allele origin: germline.
Comment: This sequence change replaces arginine, which is basic and polar, with tryptophan, which is neutral and slightly polar, at codon 464 of the PALB2 protein (p.Arg464Trp). Algorithms developed to predict the effect of missense changes on protein structure and function are either unavailable or do not agree on the potential impact of this missense change (SIFT: "Deleterious"; PolyPhen-2: "Probably Damaging"; Align-GVGD: "Class C0"). ClinVar contains an entry for this variant (Variation ID: 1051042). This variant has not been reported in the literature in individuals affected with PALB2-related conditions. This variant is not present in population databases (gnomAD no frequency). In summary, the available evidence is currently insufficient to determine the role of this variant in disease. Therefore, it has been classified as a Variant of Uncertain Significance.